The following is an entry in ClinVar:

NM_000157.4(GBA1):c.701G>A (p.Gly234Glu)

Genes: GBA1 (glucosylceramidase beta 1; minus strand), LOC106627981 (GBA recombination region; plus strand). Cytogenetic location: 1q22.
Variant type: single nucleotide variant.
Coding change: c.701G>A on transcript NM_000157.4 (MANE Select); coding-DNA position 701, G replaced by A.
Protein change: p.Gly234Glu; replaces glycine 234 with glutamic acid.
Molecular consequence: missense variant.
Genome position (GRCh38, 1-based): chr1:155,238,194, C>T on the plus strand (G>A on the coding strand, the complement: GBA1 is on the minus strand). VCF-style: chr1-155238194-C-T. GRCh37 (hg19) VCF-style: chr1-155207985-C-T.
Other names: c.701G>A, p.Gly234Glu (NM_001005741.3, NM_001005742.3); c.440G>A, p.Gly147Glu (NM_001171811.2); c.554G>A, p.Gly185Glu (NM_001171812.2); short protein forms G234E, G147E, G185E.
Identifiers: ClinVar variation 558788 (VCV000558788.49), dbSNP rs74462743, ClinGen allele CA30895513.

ClinVar aggregate classification (germline): Pathogenic/Likely pathogenic. Review status: criteria provided, multiple submitters, no conflicts (2 of 4 stars). 5 submissions from 5 submitters: Pathogenic (3); Likely pathogenic (1). 1 of the submissions does not count toward it. Last evaluated 2025-10-01.

Conditions:
Gaucher disease. Also called: Acute cerebral Gaucher disease; Cerebroside lipidosis syndrome; Gaucher splenomegaly; Sphingolipidosis 1; Glucocerebrosidosis; Glucosylceramidase deficiency. Identifiers: Orphanet 355, MedGen C0017205, MONDO:0018150.
GBA-related disorder. Also called: GBA-related disorders.

Allele frequency attached by ClinVar (database versions not stated): gnomAD exomes 0.00001.
gnomAD v4.1: 13 of 1,614,154 alleles (0.00081%); highest among the groups gnomAD compares: Non-Finnish European, 0.0011%; no homozygotes.

Submissions (5):

Natera, Inc.
Classification: Pathogenic for Gaucher disease. Last evaluated: 2025-10-01. Review status: criteria provided, single submitter. Criteria: Natera Variant Classification Schema (03/2026). Collection method: clinical testing. Allele origin: germline.
Comment: The c.701G>A variant in GBA1 is a missense variant predicted to cause substitution of glycine to glutamic acid at amino acid 234. This variant is rare in the general population with a frequency below the threshold expected for the associated phenotype(s). This variant has been observed in one or more individuals affected with the associated recessive disease, as either homozygous or compound heterozygous with a second variant (PMID: 32165122, 9153297, 9554746, 34649574). Functional studies show that this variant may disrupt protein function (PMID: 9153297). A different variant at the same position has been determined to be Pathogenic or Likely Pathogenic. Computational prediction algorithms indicate this variant is likely to affect gene or protein function. Given the available evidence, this variant is classified as Pathogenic.

Revvity Omics, Revvity
Classification: Pathogenic. Last evaluated: 2022-09-09. Review status: criteria provided, single submitter. Criteria: ACMG Guidelines, 2015. Collection method: clinical testing. Allele origin: germline.

CeGaT Center for Human Genetics Tuebingen
Classification: Pathogenic. Last evaluated: 2020-04-01. Review status: criteria provided, single submitter. Criteria: CeGaT Center For Human Genetics Tuebingen Variant Classification Criteria Version 2. Collection method: clinical testing. Allele origin: germline. Affected: yes. Observed: 1 variant allele.

Blueprint Genetics
Classification: Likely pathogenic for GBA-related disorders. Last evaluated: 2018-12-18. Review status: criteria provided, single submitter. Criteria: ACMG Guidelines, 2015. Collection method: clinical testing. Allele origin: germline. Affected: yes. Observed: 1 variant allele.

Mayo Clinic Laboratories, Mayo Clinic
Classification: Likely pathogenic. Last evaluated: 2017-08-30. Review status: no assertion criteria provided. Collection method: clinical testing. Allele origin: unknown. Not counted in ClinVar's aggregate classification.

Literature cited by the submitters: PubMed 32165122 (cited by Natera, Inc.); PubMed 9153297 (cited by Natera, Inc.); PubMed 9554746 (cited by Natera, Inc.); PubMed 34649574 (cited by Natera, Inc.).